The following is an entry in ClinVar:

NM_001040108.2(MLH3):c.4340T>C (p.Met1447Thr)

Gene: MLH3 (mutL homolog 3; minus strand). Cytogenetic location: 14q24.3.
Variant type: single nucleotide variant.
Coding change: c.4340T>C on transcript NM_001040108.2 (MANE Select); coding-DNA position 4340, T replaced by C.
Protein change: p.Met1447Thr; replaces methionine 1447 with threonine.
Molecular consequence: missense variant.
Genome position (GRCh38, 1-based): chr14:75,017,104, A>G on the plus strand (T>C on the coding strand, the complement: MLH3 is on the minus strand). VCF-style: chr14-75017104-A-G. GRCh37 (hg19) VCF-style: chr14-75483807-A-G.
Other names: c.4268T>C, p.Met1423Thr (NM_014381.3); short protein forms M1423T, M1447T.
Identifiers: ClinVar variation 3873474 (VCV003873474.1).

ClinVar aggregate classification (germline): Uncertain significance (1 of 4 stars; one submission).

Submission:

Ambry Genetics
Classification: Uncertain significance. Last evaluated: 2024-12-15. Review status: criteria provided, single submitter. Criteria: Ambry Variant Classification Scheme 2023. Collection method: clinical testing. Allele origin: germline.
Comment: The p.M1447T variant (also known as c.4340T>C), located in coding exon 12 of the MLH3 gene, results from a T to C substitution at nucleotide position 4340. The methionine at codon 1447 is replaced by threonine, an amino acid with similar properties. This amino acid position is conserved. In addition, this alteration is predicted to be tolerated by in silico analysis. Based on the available evidence, the clinical significance of this variant remains unclear.